The following is an entry in ClinVar:

NM_001267550.2(TTN):c.101591T>C (p.Ile33864Thr)

Genes: TTN-AS1 (TTN antisense RNA 1; plus strand), TTN (titin; minus strand). Cytogenetic location: 2q31.2.
Variant type: single nucleotide variant.
Coding change: c.101591T>C on transcript NM_001267550.2 (MANE Select); coding-DNA position 101591, T replaced by C.
Protein change: p.Ile33864Thr; replaces isoleucine 33864 with threonine.
Molecular consequence: missense variant.
Genome position (GRCh38, 1-based): chr2:178,535,024, A>G on the plus strand (T>C on the coding strand, the complement: TTN is on the minus strand). VCF-style: chr2-178535024-A-G. GRCh37 (hg19) VCF-style: chr2-179399751-A-G.
Other names: c.96668T>C, p.Ile32223Thr (NM_001256850.1); c.74396T>C, p.Ile24799Thr (NM_003319.4); c.93887T>C, p.Ile31296Thr (NM_133378.4); c.74771T>C, p.Ile24924Thr (NM_133432.3); c.74972T>C, p.Ile24991Thr (NM_133437.4); short protein forms I24924T, I24991T, I33864T, I24799T, I32223T, I31296T.
Identifiers: ClinVar variation 2123152 (VCV002123152.4), dbSNP rs2468558868, ClinGen allele CA349420300.

ClinVar aggregate classification (germline): Uncertain significance (1 of 4 stars; one submission).

Conditions:
Autosomal recessive limb-girdle muscular dystrophy type 2J (LGMDR10). Also called: Limb-girdle muscular dystrophy, type 2J; MUSCULAR DYSTROPHY, LIMB-GIRDLE, AUTOSOMAL RECESSIVE 10. Identifiers: Orphanet 140922, MedGen C1837342, MONDO:0012127, OMIM 608807.
Dilated cardiomyopathy 1G (CMD1G). Identifiers: Orphanet 154, MedGen C1858763, MONDO:0011400, OMIM 604145.

Submission:

Labcorp Genetics (formerly Invitae), Labcorp
Classification: Uncertain significance for Dilated cardiomyopathy 1G; Autosomal recessive limb-girdle muscular dystrophy type 2J. Last evaluated: 2022-04-08. Review status: criteria provided, single submitter. Criteria: Invitae Variant Classification Sherloc (09022015). Collection method: clinical testing. Allele origin: germline.
Comment: This sequence change replaces isoleucine, which is neutral and non-polar, with threonine, which is neutral and polar, at codon 33864 of the TTN protein (p.Ile33864Thr). This variant is not present in population databases (gnomAD no frequency). This variant has not been reported in the literature in individuals affected with TTN-related conditions. Experimental studies and prediction algorithms are not available or were not evaluated, and the functional significance of this variant is currently unknown. In summary, the available evidence is currently insufficient to determine the role of this variant in disease. Therefore, it has been classified as a Variant of Uncertain Significance. This variant is located in the M band of TTN (PMID: 25589632). Variants in this region may be relevant for neuromuscular disorders, but have not been definitively shown to cause cardiomyopathy (PMID: 23975875).

Literature cited by the submitters: PubMed 25589632; PubMed 23975875.